The following is an entry in ClinVar:

ClinVar aggregate classification (germline): Uncertain significance. Review status: criteria provided, multiple submitters, no conflicts (2 of 4 stars). 2 submissions from 2 submitters: Uncertain significance (2). Last evaluated 2025-07-28.

Conditions:
Hereditary spastic paraplegia 11. Also called: Spastic Paraplegia 11; Spastic paraplegia, mental retardation and thin corpus callosum; SPASTIC PARAPLEGIA, AUTOSOMAL RECESSIVE, COMPLICATED, WITH THIN CORPUS CALLOSUM; SPASTIC PARAPLEGIA, AUTOSOMAL RECESSIVE, WITH MENTAL IMPAIRMENT AND THIN CORPUS CALLOSUM; Nakamura Osame syndrome; Autosomal recessive hereditary spastic paraplegia, mental impairment, and thin corpus callosum. Identifiers: Orphanet 2822, MedGen C1858479, MONDO:0011445, OMIM 604360.
Inborn genetic diseases. Identifiers: MedGen C0950123, MeSH D030342.

gnomAD v4.1: 8 of 1,612,884 alleles (0.0005%); highest among the groups gnomAD compares: Admixed American, 0.0033%; no homozygotes.

Submissions (2):

Labcorp Genetics (formerly Invitae), Labcorp
Classification: Uncertain significance for Hereditary spastic paraplegia 11. Last evaluated: 2025-07-28. Review status: criteria provided, single submitter. Criteria: Invitae Variant Classification Sherloc (09022015). Collection method: clinical testing. Allele origin: germline.
Comment: This sequence change replaces isoleucine, which is neutral and non-polar, with threonine, which is neutral and polar, at codon 768 of the SPG11 protein (p.Ile768Thr). This variant is present in population databases (no rsID available, gnomAD 0.003%). This variant has not been reported in the literature in individuals affected with SPG11-related conditions. ClinVar contains an entry for this variant (Variation ID: 3960977). Invitae Evidence Modeling of protein sequence and biophysical properties (such as structural, functional, and spatial information, amino acid conservation, physicochemical variation, residue mobility, and thermodynamic stability) indicates that this missense variant is not expected to disrupt SPG11 protein function with a negative predictive value of 80%. In summary, the available evidence is currently insufficient to determine the role of this variant in disease. Therefore, it has been classified as a Variant of Uncertain Significance.

Ambry Genetics
Classification: Uncertain significance for Inborn genetic diseases. Last evaluated: 2025-05-21. Review status: criteria provided, single submitter. Criteria: Ambry Variant Classification Scheme 2023. Collection method: clinical testing. Allele origin: germline.

NM_025137.4(SPG11):c.2303T>C (p.Ile768Thr)

Gene: SPG11 (SPG11 vesicle trafficking associated, spatacsin; minus strand). Cytogenetic location: 15q21.1.
Variant type: single nucleotide variant.
Coding change: c.2303T>C on transcript NM_025137.4 (MANE Select); coding-DNA position 2303, T replaced by C.
Protein change: p.Ile768Thr; replaces isoleucine 768 with threonine.
Molecular consequence: missense variant.
Genome position (GRCh38, 1-based): chr15:44,622,741, A>G on the plus strand (T>C on the coding strand, the complement: SPG11 is on the minus strand). VCF-style: chr15-44622741-A-G. GRCh37 (hg19) VCF-style: chr15-44914939-A-G.
Other names: c.2303T>C, p.Ile768Thr (NM_001160227.2, NM_001411132.1); short protein forms I768T.
Identifiers: ClinVar variation 3960977 (VCV003960977.2).
Genomic context (GRCh38, chr15:44,622,741, plus strand): 5'-CCAGGCTTTCTAGAAAATGTATACTATGTAGTCTCACCTTTACCTACCAAAAAGTCACGT[A>G]TATTTTTATTAGTTGTATAGAAGCAGATCTTGAGCAATTGGCCTTTTACATCAAACCCCT-3'
Protein context (NP_079413.3, residues 758-778): KICFYTTNKN[Ile768Thr]RDFLVEILKE